The following is an entry in ClinVar:

ClinVar aggregate classification (germline): Uncertain significance. Review status: criteria provided, multiple submitters, no conflicts (2 of 4 stars). 2 submissions from 2 submitters: Uncertain significance (2). Last evaluated 2023-07-19.

Conditions:
Inborn genetic diseases. Identifiers: MedGen C0950123, MeSH D030342.
Pigmentary pallidal degeneration (NBIA1). Also called: Pantothenate Kinase-Associated Neurodegeneration; Neuroaxonal dystrophy, late infantile; Hallervorden-Spatz disease; HARP SYNDROME; Neurodegeneration with brain iron accumulation 1; PKAN NEUROAXONAL DYSTROPHY, JUVENILE-ONSET. Identifiers: Orphanet 157850, MedGen C0018523, MONDO:0009319, OMIM 234200.

Allele frequency attached by ClinVar (database versions not stated): gnomAD exomes below 0.00001; TOPMed 0.00001.
gnomAD v4.1: 1 of 1,589,626 alleles (0.000063%); highest among the groups gnomAD compares: African/African-American, 0.0013%; no homozygotes.

Submissions (2):

Ambry Genetics
Classification: Uncertain significance for Inborn genetic diseases. Last evaluated: 2023-07-19. Review status: criteria provided, single submitter. Criteria: Ambry Variant Classification Scheme 2023. Collection method: clinical testing. Allele origin: germline.

Labcorp Genetics (formerly Invitae), Labcorp
Classification: Uncertain significance for Pigmentary pallidal degeneration. Last evaluated: 2022-06-13. Review status: criteria provided, single submitter. Criteria: Invitae Variant Classification Sherloc (09022015). Collection method: clinical testing. Allele origin: germline.
Comment: This sequence change replaces glycine, which is neutral and non-polar, with valine, which is neutral and non-polar, at codon 188 of the PANK2 protein (p.Gly188Val). This variant is not present in population databases (gnomAD no frequency). This variant has not been reported in the literature in individuals affected with PANK2-related conditions. Algorithms developed to predict the effect of missense changes on protein structure and function are either unavailable or do not agree on the potential impact of this missense change (SIFT: "Deleterious"; PolyPhen-2: "Benign"; Align-GVGD: "Class C0"). In summary, the available evidence is currently insufficient to determine the role of this variant in disease. Therefore, it has been classified as a Variant of Uncertain Significance.

NM_001386393.1(PANK2):c.233G>T (p.Gly78Val)

Genes: PANK2 (pantothenate kinase 2; plus strand), LOC130065345 (ATAC-STARR-seq lymphoblastoid silent region 12635; plus strand). Cytogenetic location: 20p13.
Variant type: single nucleotide variant.
Coding change: c.233G>T on transcript NM_001386393.1 (MANE Select); coding-DNA position 233, G replaced by T.
Protein change: p.Gly78Val; replaces glycine 78 with valine.
Molecular consequence: missense variant. On other transcripts: 5 prime UTR variant (1), non-coding transcript variant (1), intron variant (1).
Genome position (GRCh38, 1-based): chr20:3,889,663, G>T. VCF-style: chr20-3889663-G-T. GRCh37 (hg19) VCF-style: chr20-3870310-G-T.
Other names: c.-479G>T (NM_001324191.2); c.563G>T, p.Gly188Val (NM_001324192.1, NM_153638.4); c.-246+759G>T (NM_024960.6); c.563G>T (NM_153638.2); short protein forms G78V, G188V.
Identifiers: ClinVar variation 1427171 (VCV001427171.5), dbSNP rs1380924374, ClinGen allele CA408141948.